The following is an entry in ClinVar:

ClinVar aggregate classification (germline): Pathogenic/Likely pathogenic. Review status: criteria provided, multiple submitters, no conflicts (2 of 4 stars). 2 submissions from 2 submitters: Pathogenic (1); Likely pathogenic (1). Last evaluated 2023-03-20.

Conditions:
Acyl-CoA dehydrogenase 9 deficiency. Also called: MITOCHONDRIAL COMPLEX I DEFICIENCY, NUCLEAR TYPE 20; Acyl-CoA dehydrogenase family, member 9, deficiency of. Identifiers: Orphanet 99901, MedGen C4747517, MONDO:0012624, OMIM 611126.

Allele frequency attached by ClinVar (database versions not stated): ExAC 0.00001; gnomAD exomes 0.00001.

Submissions (2):

Labcorp Genetics (formerly Invitae), Labcorp
Classification: Pathogenic. Last evaluated: 2023-03-20. Review status: criteria provided, single submitter. Criteria: Invitae Variant Classification Sherloc (09022015). Collection method: clinical testing. Allele origin: germline.
Comment: This variant has not been reported in the literature in individuals affected with ACAD9-related conditions. This sequence change creates a premature translational stop signal (p.Gln69*) in the ACAD9 gene. It is expected to result in an absent or disrupted protein product. Loss-of-function variants in ACAD9 are known to be pathogenic (PMID: 25721401). This variant is present in population databases (rs765060373, gnomAD 0.003%). ClinVar contains an entry for this variant (Variation ID: 1407949). Algorithms developed to predict the effect of sequence changes on RNA splicing suggest that this variant may disrupt the consensus splice site. For these reasons, this variant has been classified as Pathogenic.

Baylor Genetics
Classification: Likely pathogenic for Acyl-CoA dehydrogenase 9 deficiency. Last evaluated: 2023-02-11. Review status: criteria provided, single submitter. Criteria: ACMG Guidelines, 2015. Collection method: clinical testing. Allele origin: unknown.

Literature cited by the submitters: PubMed 25721401 (cited by Labcorp Genetics (formerly Invitae), Labcorp).

NM_014049.5(ACAD9):c.205C>T (p.Gln69Ter)

Gene: ACAD9 (acyl-CoA dehydrogenase family member 9; plus strand). Cytogenetic location: 3q21.3.
Variant type: single nucleotide variant.
Coding change: c.205C>T on transcript NM_014049.5 (MANE Select); coding-DNA position 205, C replaced by T.
Protein change: p.Gln69Ter; replaces glutamine 69 with a stop codon.
Molecular consequence: nonsense. On other transcripts: non-coding transcript variant (1).
Genome position (GRCh38, 1-based): chr3:128,884,707, C>T. VCF-style: chr3-128884707-C-T. GRCh37 (hg19) VCF-style: chr3-128603550-C-T.
Other names: short protein forms Q69*.
Identifiers: ClinVar variation 1407949 (VCV001407949.7), dbSNP rs765060373, ClinGen allele CA2601069.